The following is an entry in ClinVar:

ClinVar aggregate classification (germline): Uncertain significance (1 of 4 stars; one submission).

Conditions:
Mendelian susceptibility to mycobacterial diseases due to complete IL12RB1 deficiency. Also called: IL12RB1 DEFICIENCY; Immunodeficiency 30. Identifiers: Orphanet 319552, MedGen C4013949, MONDO:0013955, OMIM 614891.

Allele frequency attached by ClinVar (database versions not stated): TOPMed below 0.00001; ExAC 0.00001; gnomAD exomes 0.00001; gnomAD 0.00001.
gnomAD v4.1: 21 of 1,613,594 alleles (0.0013%); highest among the groups gnomAD compares: Non-Finnish European, 0.0016%; no homozygotes.

Submission:

Labcorp Genetics (formerly Invitae), Labcorp
Classification: Uncertain significance for Mendelian susceptibility to mycobacterial diseases due to complete IL12RB1 deficiency. Last evaluated: 2022-08-23. Review status: criteria provided, single submitter. Criteria: Invitae Variant Classification Sherloc (09022015). Collection method: clinical testing. Allele origin: germline.
Comment: This sequence change replaces alanine, which is neutral and non-polar, with threonine, which is neutral and polar, at codon 94 of the IL12RB1 protein (p.Ala94Thr). The frequency data for this variant in the population databases is considered unreliable, as metrics indicate poor data quality at this position in the gnomAD database. This variant has not been reported in the literature in individuals affected with IL12RB1-related conditions. ClinVar contains an entry for this variant (Variation ID: 942985). Algorithms developed to predict the effect of missense changes on protein structure and function output the following: SIFT: "Tolerated"; PolyPhen-2: "Benign"; Align-GVGD: "Class C0". The threonine amino acid residue is found in multiple mammalian species, which suggests that this missense change does not adversely affect protein function. In summary, the available evidence is currently insufficient to determine the role of this variant in disease. Therefore, it has been classified as a Variant of Uncertain Significance.

NM_005535.3(IL12RB1):c.280G>A (p.Ala94Thr)

Gene: IL12RB1 (interleukin 12 receptor subunit beta 1; minus strand). Cytogenetic location: 19p13.11.
Variant type: single nucleotide variant.
Coding change: c.280G>A on transcript NM_005535.3 (MANE Select); coding-DNA position 280, G replaced by A.
Protein change: p.Ala94Thr; replaces alanine 94 with threonine.
Molecular consequence: missense variant.
Genome position (GRCh38, 1-based): chr19:18,080,961, C>T on the plus strand (G>A on the coding strand, the complement: IL12RB1 is on the minus strand). VCF-style: chr19-18080961-C-T. GRCh37 (hg19) VCF-style: chr19-18191771-C-T.
Other names: c.280G>A, p.Ala94Thr (NM_001290023.2, NM_153701.3); c.400G>A, p.Ala134Thr (NM_001290024.2); short protein forms A134T, A94T.
Identifiers: ClinVar variation 942985 (VCV000942985.5), dbSNP rs747526703, ClinGen allele CA9305263.